The following is an entry in ClinVar:

NM_001267550.2(TTN):c.81956C>T (p.Thr27319Ile)

Genes: TTN (titin; minus strand), TTN-AS1 (TTN antisense RNA 1; plus strand). Cytogenetic location: 2q31.2.
Variant type: single nucleotide variant.
Coding change: c.81956C>T on transcript NM_001267550.2 (MANE Select); coding-DNA position 81956, C replaced by T.
Protein change: p.Thr27319Ile; replaces threonine 27319 with isoleucine.
Molecular consequence: missense variant.
Genome position (GRCh38, 1-based): chr2:178,564,176, G>A on the plus strand (C>T on the coding strand, the complement: TTN is on the minus strand). VCF-style: chr2-178564176-G-A. GRCh37 (hg19) VCF-style: chr2-179428903-G-A.
Other names: c.77033C>T, p.Thr25678Ile (NM_001256850.1); c.54761C>T, p.Thr18254Ile (NM_003319.4); c.74252C>T, p.Thr24751Ile (NM_133378.4); c.55136C>T, p.Thr18379Ile (NM_133432.3); c.55337C>T, p.Thr18446Ile (NM_133437.4); short protein forms T18254I, T27319I, T24751I, T18379I, T18446I, T25678I.
Identifiers: ClinVar variation 4989554 (VCV004989554.1).

ClinVar aggregate classification (germline): Uncertain significance (1 of 4 stars; one submission).

Conditions:
TTN-related disorder. Also called: TTN-related disorders; TTN-related condition; TTN-related disease.

Submission:

PreventionGenetics, part of Exact Sciences
Classification: Uncertain significance for TTN-related condition. Last evaluated: 2026-06-07. Review status: criteria provided, single submitter. Criteria: ACMG Guidelines, 2015. Collection method: clinical testing. Allele origin: germline.
Comment: The TTN c.81956C>T variant is predicted to result in the amino acid substitution p.Thr27319Ile. To our knowledge, this variant has not been reported in the literature. This variant is reported in 0.00089% of alleles in individuals of European (Non-Finnish) descent in gnomAD. At this time, the clinical significance of this variant is uncertain due to the absence of conclusive functional and genetic evidence.